The following is an entry in ClinVar:

NM_001394062.1(MACF1):c.21165G>A (p.Ala7055=)

Gene: MACF1 (microtubule actin crosslinking factor 1; plus strand). Cytogenetic location: 1p34.3.
Variant type: single nucleotide variant.
Coding change: c.21165G>A on transcript NM_001394062.1 (MANE Select); coding-DNA position 21165, G replaced by A.
Protein change: p.Ala7055=; no amino-acid change (alanine 7055 retained).
Molecular consequence: synonymous variant.
Genome position (GRCh38, 1-based): chr1:39,458,459, G>A. VCF-style: chr1-39458459-G-A. GRCh37 (hg19) VCF-style: chr1-39924131-G-A.
Other names: c.9243G>A, p.Ala3081= (NM_001397473.1); c.14988G>A, p.Ala4996= (NM_012090.5).
Identifiers: ClinVar variation 3710529 (VCV003710529.3).
Genomic context (GRCh38, chr1:39,458,459, plus strand): 5'-GCCTGACGTGGACCGGGTCACCAAGACATACAAAAGGAAAAACATAGAGCCTACTCACGC[G>A]CCTTTCATAGAGAAATCCCGCAGCGGAGGCAGTATGTTTCCAGCCCCCTGTGTTAGGATG-3'
Protein context (NP_001380991.1, residues 7045-7065): YKRKNIEPTH[Ala7055=]PFIEKSRSGG

ClinVar aggregate classification (germline): Likely benign. Review status: criteria provided, multiple submitters, no conflicts (2 of 4 stars). 2 submissions from 2 submitters: Likely benign (2). Last evaluated 2026-09-01.

gnomAD v4.1: 48 of 1,613,730 alleles (0.003%); highest among the groups gnomAD compares: Middle Eastern, 0.016%; 1 homozygote.

Submissions (2):

CeGaT Center for Human Genetics Tuebingen
Classification: Likely benign. Last evaluated: 2026-09-01. Review status: criteria provided, single submitter. Criteria: CeGaT Center For Human Genetics Tuebingen Variant Classification Criteria Version 2. Collection method: clinical testing. Allele origin: germline. Affected: yes. Observed: 1 variant allele.
Comment: MACF1: BP4, BP7

Labcorp Genetics (formerly Invitae), Labcorp
Classification: Likely benign. Last evaluated: 2025-09-02. Review status: criteria provided, single submitter. Criteria: Invitae Variant Classification Sherloc (09022015). Collection method: clinical testing. Allele origin: germline.